The following is an entry in ClinVar:

ClinVar aggregate classification (germline): Uncertain significance (1 of 4 stars; one submission).

Conditions:
Bloom syndrome (BLM). Also called: Bloom-Torre-Machacek syndrome. Identifiers: Orphanet 125, MedGen C0005859, MONDO:0008876, OMIM 210900.

Submission:

Labcorp Genetics (formerly Invitae), Labcorp
Classification: Uncertain significance for Bloom syndrome. Last evaluated: 2018-08-15. Review status: criteria provided, single submitter. Criteria: Invitae Variant Classification Sherloc (09022015). Collection method: clinical testing. Allele origin: germline.
Comment: This sequence change replaces aspartic acid with histidine at codon 340 of the BLM protein (p.Asp340His). The aspartic acid residue is weakly conserved and there is a moderate physicochemical difference between aspartic acid and histidine. This variant is not present in population databases (ExAC no frequency). This variant has not been reported in the literature in individuals with BLM-related disease. Algorithms developed to predict the effect of missense changes on protein structure and function are either unavailable or do not agree on the potential impact of this missense change (SIFT: "Tolerated"; PolyPhen-2: "Possibly Damaging"; Align-GVGD: "Class C0"). In summary, the available evidence is currently insufficient to determine the role of this variant in disease. Therefore, it has been classified as a Variant of Uncertain Significance.

NM_000057.4(BLM):c.1018G>C (p.Asp340His)

Gene: BLM (BLM RecQ like helicase; plus strand). Cytogenetic location: 15q26.1.
Variant type: single nucleotide variant.
Coding change: c.1018G>C on transcript NM_000057.4 (MANE Select); coding-DNA position 1018, G replaced by C.
Protein change: p.Asp340His; replaces aspartic acid 340 with histidine.
Molecular consequence: missense variant. On other transcripts: 5 prime UTR variant (1).
Genome position (GRCh38, 1-based): chr15:90,754,869, G>C. VCF-style: chr15-90754869-G-C. GRCh37 (hg19) VCF-style: chr15-91298099-G-C.
Other names: c.1018G>C, p.Asp340His (NM_001287246.2, NM_001287247.2); c.-274G>C (NM_001287248.2); short protein forms D340H.
Identifiers: ClinVar variation 643690 (VCV000643690.9), dbSNP rs1596223836, ClinGen allele CA393842109.